The following is an entry in ClinVar:

NM_054027.6(ANKH):c.1103T>G (p.Val368Gly)

Gene: ANKH (ANKH inorganic pyrophosphate transport regulator; minus strand). Cytogenetic location: 5p15.2.
Variant type: single nucleotide variant.
Coding change: c.1103T>G on transcript NM_054027.6 (MANE Select); coding-DNA position 1103, T replaced by G.
Protein change: p.Val368Gly; replaces valine 368 with glycine.
Molecular consequence: missense variant.
Genome position (GRCh38, 1-based): chr5:14,716,744, A>C on the plus strand (T>G on the coding strand, the complement: ANKH is on the minus strand). VCF-style: chr5-14716744-A-C. GRCh37 (hg19) VCF-style: chr5-14716853-A-C.
Other names: c.1103T>G (NM_054027.4); short protein forms V368G.
Identifiers: ClinVar variation 3005152 (VCV003005152.5), dbSNP rs1737477228, ClinGen allele CA359245307.

ClinVar aggregate classification (germline): Uncertain significance. Review status: criteria provided, multiple submitters, no conflicts (2 of 4 stars). 3 submissions from 3 submitters: Uncertain significance (3). Last evaluated 2026-01-26.

Conditions:
Inborn genetic diseases. Identifiers: MedGen C0950123, MeSH D030342.

Allele frequency attached by ClinVar (database versions not stated): gnomAD exomes 0.00001; TOPMed 0.00001.
gnomAD v4.1: 15 of 1,614,196 alleles (0.00093%); highest among the groups gnomAD compares: Middle Eastern, 0.016%; no homozygotes.

Submissions (3):

Labcorp Genetics (formerly Invitae), Labcorp
Classification: Uncertain significance. Last evaluated: 2026-01-26. Review status: criteria provided, single submitter. Criteria: Invitae Variant Classification Sherloc (09022015). Collection method: clinical testing. Allele origin: germline.
Comment: This sequence change replaces valine, which is neutral and non-polar, with glycine, which is neutral and non-polar, at codon 368 of the ANKH protein (p.Val368Gly). This variant is not present in population databases (gnomAD no frequency). This variant has not been reported in the literature in individuals affected with ANKH-related conditions. ClinVar contains an entry for this variant (Variation ID: 3005152). Invitae Evidence Modeling of protein sequence and biophysical properties (such as structural, functional, and spatial information, amino acid conservation, physicochemical variation, residue mobility, and thermodynamic stability) indicates that this missense variant is not expected to disrupt ANKH protein function with a negative predictive value of 80%. In summary, the available evidence is currently insufficient to determine the role of this variant in disease. Therefore, it has been classified as a Variant of Uncertain Significance.

Ambry Genetics
Classification: Uncertain significance for Inborn genetic diseases. Last evaluated: 2025-02-03. Review status: criteria provided, single submitter. Criteria: Ambry Variant Classification Scheme 2023. Collection method: clinical testing. Allele origin: germline.

Blueprint Genetics
Classification: Uncertain significance. Last evaluated: 2021-01-12. Review status: criteria provided, single submitter. Criteria: ACMG Guidelines, 2015. Collection method: clinical testing. Allele origin: germline.